The following is an entry in ClinVar:

ClinVar aggregate classification (germline): Uncertain significance (1 of 4 stars; one submission).

Conditions:
Hereditary spastic paraplegia 11. Also called: Spastic paraplegia, mental retardation and thin corpus callosum; SPASTIC PARAPLEGIA, AUTOSOMAL RECESSIVE, COMPLICATED, WITH THIN CORPUS CALLOSUM; SPASTIC PARAPLEGIA, AUTOSOMAL RECESSIVE, WITH MENTAL IMPAIRMENT AND THIN CORPUS CALLOSUM; Nakamura Osame syndrome; Autosomal recessive hereditary spastic paraplegia, mental impairment, and thin corpus callosum; Spastic Paraplegia 11. Identifiers: Orphanet 2822, MedGen C1858479, MONDO:0011445, OMIM 604360.

gnomAD v4.1: 2 of 1,596,606 alleles (0.00013%); highest among the groups gnomAD compares: Non-Finnish European, 0.00017%; no homozygotes.

Submission:

Labcorp Genetics (formerly Invitae), Labcorp
Classification: Uncertain significance for Hereditary spastic paraplegia 11. Last evaluated: 2022-07-06. Review status: criteria provided, single submitter. Criteria: Invitae Variant Classification Sherloc (09022015). Collection method: clinical testing. Allele origin: germline.
Comment: In summary, the available evidence is currently insufficient to determine the role of this variant in disease. Therefore, it has been classified as a Variant of Uncertain Significance. This sequence change replaces arginine, which is basic and polar, with glutamine, which is neutral and polar, at codon 24 of the SPG11 protein (p.Arg24Gln). This variant is not present in population databases (gnomAD no frequency). This variant has not been reported in the literature in individuals affected with SPG11-related conditions. ClinVar contains an entry for this variant (Variation ID: 574202). Algorithms developed to predict the effect of missense changes on protein structure and function output the following: SIFT: "Tolerated"; PolyPhen-2: "Benign"; Align-GVGD: "Class C0". The glutamine amino acid residue is found in multiple mammalian species, which suggests that this missense change does not adversely affect protein function. Algorithms developed to predict the effect of sequence changes on RNA splicing suggest that this variant may create or strengthen a splice site.

NM_025137.4(SPG11):c.71G>A (p.Arg24Gln)

Gene: SPG11 (SPG11 vesicle trafficking associated, spatacsin; minus strand). Cytogenetic location: 15q21.1.
Variant type: single nucleotide variant.
Coding change: c.71G>A on transcript NM_025137.4 (MANE Select); coding-DNA position 71, G replaced by A.
Protein change: p.Arg24Gln; replaces arginine 24 with glutamine.
Molecular consequence: missense variant.
Genome position (GRCh38, 1-based): chr15:44,663,577, C>T on the plus strand (G>A on the coding strand, the complement: SPG11 is on the minus strand). VCF-style: chr15-44663577-C-T. GRCh37 (hg19) VCF-style: chr15-44955775-C-T.
Other names: c.71G>A, p.Arg24Gln (NM_001160227.2); short protein forms R24Q.
Identifiers: ClinVar variation 574202 (VCV000574202.6), dbSNP rs1239788614, ClinGen allele CA392238833.